The following is an entry in ClinVar:

ClinVar aggregate classification (germline): Likely benign. Review status: criteria provided, multiple submitters, no conflicts (2 of 4 stars). 3 submissions from 3 submitters: Likely benign (2). 1 of the submissions does not count toward it. Last evaluated 2025-12-03.

Conditions:
NTRK2-related disorder. Also called: NTRK2-related condition.

Allele frequency attached by ClinVar (database versions not stated): 1000 Genomes Project 30x 0.00031.

Submissions (3):

Labcorp Genetics (formerly Invitae), Labcorp
Classification: Likely benign. Last evaluated: 2025-12-03. Review status: criteria provided, single submitter. Criteria: Invitae Variant Classification Sherloc (09022015). Collection method: clinical testing. Allele origin: germline.

Blueprint Genetics
Classification: Likely benign. Last evaluated: 2024-01-31. Review status: criteria provided, single submitter. Criteria: ACMG Guidelines, 2015. Collection method: clinical testing. Allele origin: germline.

PreventionGenetics, part of Exact Sciences
Classification: Likely benign for NTRK2-related condition. Last evaluated: 2024-01-09. Review status: no assertion criteria provided. Collection method: clinical testing. Allele origin: germline. Not counted in ClinVar's aggregate classification.
Comment: This variant is classified as likely benign based on ACMG/AMP sequence variant interpretation guidelines (Richards et al. 2015 PMID: 25741868, with internal and published modifications).

NM_006180.6(NTRK2):c.1765-4C>G

Gene: NTRK2 (neurotrophic receptor tyrosine kinase 2; plus strand). Cytogenetic location: 9q21.33.
Variant type: single nucleotide variant.
Coding change: c.1765-4C>G on transcript NM_006180.6 (MANE Select); 4 bases into the intron before coding-DNA position 1765, C replaced by G.
Molecular consequence: intron variant.
Genome position (GRCh38, 1-based): chr9:84,948,458, C>G. VCF-style: chr9-84948458-C-G. GRCh37 (hg19) VCF-style: chr9-87563373-C-G.
Other names: c.1765-4C>G (NM_006180.4); c.1717-4C>G (NM_001369532.1, NM_001369533.1, NM_001018064.3); c.1681-4C>G (NM_001369534.1); c.1297-4C>G (NM_001369536.1); c.1249-4C>G (NM_001369535.1).
Identifiers: ClinVar variation 2962407 (VCV002962407.6), dbSNP rs200663989, ClinGen allele CA5105846.
Genomic context (GRCh38, chr9:84,948,458, plus strand): 5'-CTTTCCTATCTCAGTATCATAGGGCCCACTGAAGTAATCCTTCTCTTTTAACACCCATCC[C>G]CAGACCCTGAAGGATGCCAGTGACAATGCACGCAAGGACTTCCACCGTGAGGCCGAGCTC-3'